The following is an entry in ClinVar:

NM_001481.3(DRC4):c.1424G>T (p.Gly475Val)

Gene: DRC4 (dynein regulatory complex subunit 4; plus strand). Cytogenetic location: 16q24.3.
Variant type: single nucleotide variant.
Coding change: c.1424G>T on transcript NM_001481.3 (MANE Select); coding-DNA position 1424, G replaced by T.
Protein change: p.Gly475Val; replaces glycine 475 with valine.
Molecular consequence: missense variant. On other transcripts: non-coding transcript variant (1).
Genome position (GRCh38, 1-based): chr16:90,043,332, G>T. VCF-style: chr16-90043332-G-T. GRCh37 (hg19) VCF-style: chr16-90109740-G-T.
Other names: c.1175G>T, p.Gly392Val (NM_001286205.2); c.848G>T, p.Gly283Val (NM_001286208.2); c.1349G>T, p.Gly450Val (NM_001286209.2); short protein forms G283V, G475V, G450V, G392V.
Identifiers: ClinVar variation 1416544 (VCV001416544.8), dbSNP rs1357817895, ClinGen allele CA397473261.

ClinVar aggregate classification (germline): Uncertain significance (1 of 4 stars; one submission).

Conditions:
Primary ciliary dyskinesia 33. Also called: CILIARY DYSKINESIA, PRIMARY, 33, WITHOUT SITUS INVERSUS. Identifiers: Orphanet 244, MedGen C4225230, MONDO:0014750, OMIM 616726.

Submission:

Labcorp Genetics (formerly Invitae), Labcorp
Classification: Uncertain significance for Primary ciliary dyskinesia 33. Last evaluated: 2022-07-05. Review status: criteria provided, single submitter. Criteria: Invitae Variant Classification Sherloc (09022015). Collection method: clinical testing. Allele origin: germline.
Comment: ClinVar contains an entry for this variant (Variation ID: 1416544). This sequence change replaces glycine, which is neutral and non-polar, with valine, which is neutral and non-polar, at codon 475 of the GAS8 protein (p.Gly475Val). This variant is not present in population databases (gnomAD no frequency). This variant has not been reported in the literature in individuals affected with GAS8-related conditions. Algorithms developed to predict the effect of missense changes on protein structure and function (SIFT, PolyPhen-2, Align-GVGD) all suggest that this variant is likely to be tolerated. In summary, the available evidence is currently insufficient to determine the role of this variant in disease. Therefore, it has been classified as a Variant of Uncertain Significance.